The following is an entry in ClinVar:

NM_001164508.2(NEB):c.1555A>T (p.Lys519Ter)

Gene: NEB (nebulin; minus strand). Cytogenetic location: 2q23.3.
Variant type: single nucleotide variant.
Coding change: c.1555A>T on transcript NM_001164508.2 (MANE Select); coding-DNA position 1555, A replaced by T.
Protein change: p.Lys519Ter; replaces lysine 519 with a stop codon.
Molecular consequence: nonsense.
Genome position (GRCh38, 1-based): chr2:151,696,651, T>A on the plus strand (A>T on the coding strand, the complement: NEB is on the minus strand). VCF-style: chr2-151696651-T-A. GRCh37 (hg19) VCF-style: chr2-152553165-T-A.
Other names: c.1555A>T, p.Lys519Ter (NM_001164507.2, NM_001271208.2, NM_004543.5); short protein forms K519*.
Identifiers: ClinVar variation 2113585 (VCV002113585.4), dbSNP rs2552269625, ClinGen allele CA348825091.
Genomic context (GRCh38, chr2:151,696,651, plus strand): 5'-TGTTATCCCTCATAATTGGGTGTCCTGAGTAGTTAGAGGAACTTACGTCACTCAGTTGTT[T>A]GGAATTGACTTGGGCTTGTAGCAGAACAGGAGAGTCTGTAACTTGGGTGAATTTTGTCTT-3'

ClinVar aggregate classification (germline): Pathogenic (1 of 4 stars; one submission).

Conditions:
Nemaline myopathy 2 (NEM2). Also called: Nemaline myopathy 2, autosomal recessive. Identifiers: MedGen C1850569, MONDO:0009725, OMIM 256030.

Submission:

Labcorp Genetics (formerly Invitae), Labcorp
Classification: Pathogenic for Nemaline myopathy 2. Last evaluated: 2022-03-18. Review status: criteria provided, single submitter. Criteria: Invitae Variant Classification Sherloc (09022015). Collection method: clinical testing. Allele origin: germline.
Comment: This sequence change creates a premature translational stop signal (p.Lys519*) in the NEB gene. It is expected to result in an absent or disrupted protein product. Loss-of-function variants in NEB are known to be pathogenic (PMID: 25205138). This variant is not present in population databases (gnomAD no frequency). This variant has not been reported in the literature in individuals affected with NEB-related conditions. For these reasons, this variant has been classified as Pathogenic.

Literature cited by the submitters: PubMed 25205138.